The following is an entry in ClinVar:

NM_017780.4(CHD7):c.1921A>G (p.Lys641Glu)

Genes: CHD7 (chromodomain helicase DNA binding protein 7; plus strand), LOC126860403 (CDK7 strongly-dependent group 2 enhancer GRCh37_chr8:61693034-61694233; plus strand). Cytogenetic location: 8q12.2.
Variant type: single nucleotide variant.
Coding change: c.1921A>G on transcript NM_017780.4 (MANE Select); coding-DNA position 1921, A replaced by G.
Protein change: p.Lys641Glu; replaces lysine 641 with glutamic acid.
Molecular consequence: missense variant. On other transcripts: intron variant (1).
Genome position (GRCh38, 1-based): chr8:60,781,255, A>G. VCF-style: chr8-60781255-A-G. GRCh37 (hg19) VCF-style: chr8-61693814-A-G.
Other names: c.1716+205A>G (NM_001316690.1); short protein forms K641E.
Identifiers: ClinVar variation 642700 (VCV000642700.13), dbSNP rs1335682527, ClinGen allele CA371313028.

ClinVar aggregate classification (germline): Uncertain significance. Review status: criteria provided, multiple submitters, no conflicts (2 of 4 stars). 4 submissions from 4 submitters: Uncertain significance (4). Last evaluated 2026-08-03.

Conditions:
CHD7-related disorder. Also called: CHD7-related condition.
CHARGE syndrome (CHARGE). Also called: Coloboma, heart anomaly, choanal atresia, retardation, genital and ear anomalies; CHARGE association; Hall-Hittner syndrome; Hittner Hirsch Kreh syndrome; CHARGE ASSOCIATION--COLOBOMA, HEART ANOMALY, CHOANAL ATRESIA, RETARDATION, GENITAL AND EAR ANOMALIES. Identifiers: Orphanet 138, MedGen C0265354, MONDO:0008965.

Allele frequency attached by ClinVar (database versions not stated): gnomAD 0.00001; gnomAD exomes 0.00001; TOPMed 0.00001.
gnomAD v4.1: 9 of 1,566,296 alleles (0.00057%); highest among the groups gnomAD compares: East Asian, 0.0024%; no homozygotes.

Submissions (4):

PreventionGenetics, part of Exact Sciences
Classification: Uncertain significance for CHD7-related condition. Last evaluated: 2026-08-03. Review status: criteria provided, single submitter. Criteria: ACMG Guidelines, 2015. Collection method: clinical testing. Allele origin: germline.
Comment: The CHD7 c.1921A>G variant is predicted to result in the amino acid substitution p.Lys641Glu. To our knowledge, this variant has not been reported in the literature or in a large population database (gnomAD), indicating this variant is rare. At this time, the clinical significance of this variant is uncertain due to the absence of conclusive functional and genetic evidence.

Labcorp Genetics (formerly Invitae), Labcorp
Classification: Uncertain significance for CHARGE syndrome. Last evaluated: 2025-06-11. Review status: criteria provided, single submitter. Criteria: Invitae Variant Classification Sherloc (09022015). Collection method: clinical testing. Allele origin: germline.
Comment: This sequence change replaces lysine, which is basic and polar, with glutamic acid, which is acidic and polar, at codon 641 of the CHD7 protein (p.Lys641Glu). The frequency data for this variant in the population databases is considered unreliable, as metrics indicate poor data quality at this position in the gnomAD database. This variant has not been reported in the literature in individuals affected with CHD7-related conditions. ClinVar contains an entry for this variant (Variation ID: 642700). Invitae Evidence Modeling of protein sequence and biophysical properties (such as structural, functional, and spatial information, amino acid conservation, physicochemical variation, residue mobility, and thermodynamic stability) indicates that this missense variant is not expected to disrupt CHD7 protein function with a negative predictive value of 95%. In summary, the available evidence is currently insufficient to determine the role of this variant in disease. Therefore, it has been classified as a Variant of Uncertain Significance.

Blueprint Genetics
Classification: Uncertain significance. Last evaluated: 2024-01-08. Review status: criteria provided, single submitter. Criteria: ACMG Guidelines, 2015. Collection method: clinical testing. Allele origin: germline.

GeneDx
Classification: Uncertain significance. Last evaluated: 2022-03-04. Review status: criteria provided, single submitter. Criteria: GeneDx Variant Classification Process June 2021. Collection method: clinical testing. Allele origin: germline. Affected: yes.
Comment: Not observed at significant frequency in large population cohorts (gnomAD); In silico analysis supports that this missense variant does not alter protein structure/function; Has not been previously published as pathogenic or benign to our knowledge